The following is an entry in ClinVar:

ClinVar aggregate classification (germline): Benign (3 of 4 stars; one submission).

Conditions:
Breast-ovarian cancer, familial, susceptibility to, 2 (BROVCA2). Also called: BRCA2 Hereditary Breast and Ovarian Cancer. Identifiers: Orphanet 145, MedGen C2675520, MONDO:0012933, OMIM 612555. Disease mechanism: loss of function.

Allele frequency attached by ClinVar (database versions not stated): TOPMed 0.00005; gnomAD 0.00013; 1000 Genomes Project 30x 0.00297; 1000 Genomes Project 0.00300.
gnomAD v4.1: 83 of 152,224 alleles (0.055%); highest among the groups gnomAD compares: South Asian, 1.5%; 1 homozygote.

Submission:

Evidence-based Network for the Interpretation of Germline Mutant Alleles (ENIGMA)
Classification: Benign for Breast-ovarian cancer, familial, susceptibility to, 2. Last evaluated: 2016-09-28. Review status: reviewed by expert panel. Criteria: ENIGMA BRCA1/2 Classification Criteria (2015). Collection method: curation. Allele origin: germline.
Comment: Class 1 not pathogenic based on frequency >1% in an outbred sampleset. Frequency 0.0153 (South Asian), derived from 1000 genomes (2013-05-02).

NM_000059.4(BRCA2):c.7805+198A>G

Gene: BRCA2 (BRCA2 DNA repair associated; plus strand). Cytogenetic location: 13q13.1.
Variant type: single nucleotide variant.
Coding change: c.7805+198A>G on transcript NM_000059.4 (MANE Select); 198 bases into the intron after coding-DNA position 7805, A replaced by G.
Molecular consequence: intron variant.
Genome position (GRCh38, 1-based): chr13:32,358,127, A>G. VCF-style: chr13-32358127-A-G. GRCh37 (hg19) VCF-style: chr13-32932264-A-G.
Identifiers: ClinVar variation 264913 (VCV000264913.1), dbSNP rs575726783, ClinGen allele CA10588122.
Genomic context (GRCh38, chr13:32,358,127, plus strand): 5'-TTAAGCATTCTGTAGAAGTCTTTTGAAAAGTGCTGTTTGTCCTGGGGTTTAATGAACTGG[A>G]TTTTCTTGATTTGGGACATTTTTCTTAGGCATTTATAAATATAGCCCAATTTATAAAGTT-3'